The following is an entry in ClinVar:

ClinVar aggregate classification (germline): Uncertain significance (1 of 4 stars; one submission).

Allele frequency attached by ClinVar (database versions not stated): gnomAD exomes below 0.00001; TOPMed below 0.00001; gnomAD 0.00001.
gnomAD v4.1: 3 of 1,612,540 alleles (0.00019%); highest among the groups gnomAD compares: Admixed American, 0.0033%; no homozygotes.

Submission:

Labcorp Genetics (formerly Invitae), Labcorp
Classification: Uncertain significance. Last evaluated: 2022-09-25. Review status: criteria provided, single submitter. Criteria: Invitae Variant Classification Sherloc (09022015). Collection method: clinical testing. Allele origin: germline.
Comment: In summary, the available evidence is currently insufficient to determine the role of this variant in disease. Therefore, it has been classified as a Variant of Uncertain Significance. This sequence change replaces proline, which is neutral and non-polar, with serine, which is neutral and polar, at codon 10 of the TBXA2R protein (p.Pro10Ser). This variant is not present in population databases (gnomAD no frequency). This variant has not been reported in the literature in individuals affected with TBXA2R-related conditions. Algorithms developed to predict the effect of missense changes on protein structure and function output the following: SIFT: "Tolerated"; PolyPhen-2: "Benign"; Align-GVGD: "Class C0". The serine amino acid residue is found in multiple mammalian species, which suggests that this missense change does not adversely affect protein function.

NM_001060.6(TBXA2R):c.28C>T (p.Pro10Ser)

Gene: TBXA2R (thromboxane A2 receptor; minus strand). Cytogenetic location: 19p13.3.
Variant type: single nucleotide variant.
Coding change: c.28C>T on transcript NM_001060.6 (MANE Select); coding-DNA position 28, C replaced by T.
Protein change: p.Pro10Ser; replaces proline 10 with serine.
Molecular consequence: missense variant.
Genome position (GRCh38, 1-based): chr19:3,600,607, G>A on the plus strand (C>T on the coding strand, the complement: TBXA2R is on the minus strand). VCF-style: chr19-3600607-G-A. GRCh37 (hg19) VCF-style: chr19-3600605-G-A.
Other names: c.28C>T, p.Pro10Ser (NM_201636.3); short protein forms P10S.
Identifiers: ClinVar variation 1920754 (VCV001920754.5), dbSNP rs2032717911, ClinGen allele CA403336321.
Genomic context (GRCh38, chr19:3,600,607, plus strand): 5'-ACCAGGGCGAGGCGATCAGCCGTCTCTCCTCCAGGGTAATGTTTGTGGGCCGGAAACAGG[G>A]CCCCAGGGAACTGCCGTTGGGCCACATGGCTCCGGAGCCCTGAGGGATCAGTCACCACCC-3'
Protein context (NP_001051.1, residues 1-20): MWPNGSSLG[Pro10Ser]CFRPTNITLE